The following is an entry in ClinVar:

NM_017882.3(CLN6):c.196A>T (p.Met66Leu)

Gene: CLN6 (CLN6 transmembrane ER protein; minus strand). Cytogenetic location: 15q23.
Variant type: single nucleotide variant.
Coding change: c.196A>T on transcript NM_017882.3 (MANE Select); coding-DNA position 196, A replaced by T.
Protein change: p.Met66Leu; replaces methionine 66 with leucine.
Molecular consequence: missense variant.
Genome position (GRCh38, 1-based): chr15:68,218,538, T>A on the plus strand (A>T on the coding strand, the complement: CLN6 is on the minus strand). VCF-style: chr15-68218538-T-A. GRCh37 (hg19) VCF-style: chr15-68510876-T-A.
Other names: c.292A>T, p.Met98Leu (NM_001411068.1); short protein forms M66L, M98L.
Identifiers: ClinVar variation 4527504 (VCV004527504.1).

ClinVar aggregate classification (germline): Uncertain significance (1 of 4 stars; one submission).

gnomAD v4.1: 14 of 1,608,014 alleles (0.00087%); highest among the groups gnomAD compares: Non-Finnish European, 0.0012%; no homozygotes.

Submission:

GeneDx
Classification: Uncertain significance. Last evaluated: 2025-05-08. Review status: criteria provided, single submitter. Criteria: GeneDx Variant Classification Process June 2021. Collection method: clinical testing. Allele origin: germline. Affected: yes.
Comment: Not observed at significant frequency in large population cohorts (gnomAD); In silico analysis suggests that this missense variant does not alter protein structure/function; Has not been previously published as pathogenic or benign to our knowledge